The following is an entry in ClinVar:

NM_152703.5(SAMD9L):c.355A>G (p.Ile119Val)

Gene: SAMD9L (sterile alpha motif domain containing 9 like; minus strand). Cytogenetic location: 7q21.2.
Variant type: single nucleotide variant.
Coding change: c.355A>G on transcript NM_152703.5 (MANE Select); coding-DNA position 355, A replaced by G.
Protein change: p.Ile119Val; replaces isoleucine 119 with valine.
Molecular consequence: missense variant.
Genome position (GRCh38, 1-based): chr7:93,135,617, T>C on the plus strand (A>G on the coding strand, the complement: SAMD9L is on the minus strand). VCF-style: chr7-93135617-T-C. GRCh37 (hg19) VCF-style: chr7-92764930-T-C.
Other names: c.355A>G (NM_152703.2); c.355A>G, p.Ile119Val (NM_001303496.3, NM_001303497.3, NM_001303498.3 and 5 more transcripts); short protein forms I119V.
Identifiers: ClinVar variation 2971710 (VCV002971710.4), dbSNP rs1456656565, ClinGen allele CA368205893.
Genomic context (GRCh38, chr7:93,135,617, plus strand): 5'-CTTTCATAAGAATTGATTCTTCTTGTTTGATATCTCTGATCTCTCTGGGATCATAATCAA[T>C]ATTAGATGACATTGAATTTTCTTCTTCCTTTTTGGTGTGTTTTGGATTTTTCTGGTGTTC-3'
Protein context (NP_689916.2, residues 109-129): KEEENSMSSN[Ile119Val]DYDPREIRDI

ClinVar aggregate classification (germline): Uncertain significance. Review status: criteria provided, multiple submitters, no conflicts (2 of 4 stars). 2 submissions from 2 submitters: Uncertain significance (2). Last evaluated 2025-08-21.

Conditions:
Inborn genetic diseases. Identifiers: MedGen C0950123, MeSH D030342.

Submissions (2):

Ambry Genetics
Classification: Uncertain significance for Inborn genetic diseases. Last evaluated: 2025-08-21. Review status: criteria provided, single submitter. Criteria: Ambry Variant Classification Scheme 2023. Collection method: clinical testing. Allele origin: germline.
Comment: The p.I119V variant (also known as c.355A>G), located in coding exon 1 of the SAMD9L gene, results from an A to G substitution at nucleotide position 355. The isoleucine at codon 119 is replaced by valine, an amino acid with highly similar properties. This amino acid position is conserved. In addition, this alteration is predicted to be tolerated by in silico analysis. Based on the available evidence, the clinical significance of this variant remains unclear.

Labcorp Genetics (formerly Invitae), Labcorp
Classification: Uncertain significance. Last evaluated: 2023-05-03. Review status: criteria provided, single submitter. Criteria: Invitae Variant Classification Sherloc (09022015). Collection method: clinical testing. Allele origin: germline.
Comment: In summary, the available evidence is currently insufficient to determine the role of this variant in disease. Therefore, it has been classified as a Variant of Uncertain Significance. An algorithm developed to predict the effect of missense changes on protein structure and function (PolyPhen-2) suggests that this variant is likely to be tolerated. This variant has not been reported in the literature in individuals affected with SAMD9L-related conditions. This variant is present in population databases (no rsID available, gnomAD 0.0009%). This sequence change replaces isoleucine, which is neutral and non-polar, with valine, which is neutral and non-polar, at codon 119 of the SAMD9L protein (p.Ile119Val).